The following is an entry in ClinVar:

NM_001009944.3(PKD1):c.10008_10009dup (p.Tyr3337fs)

Gene: PKD1 (polycystin 1, transient receptor potential channel interacting; minus strand). Cytogenetic location: 16p13.3.
Variant type: Duplication.
Coding change: c.10008_10009dup on transcript NM_001009944.3 (MANE Select); coding-DNA positions 10008 to 10009, 2 bases duplicated (CT; older notation c.10008_10009dupCT).
Protein change: p.Tyr3337fs; shifts the reading frame from tyrosine 3337.
Molecular consequence: frameshift variant.
Genome position (GRCh38, 1-based): chr16:2,099,685-2,099,686, AG duplicated on the plus strand (CT on the coding strand, the reverse complement: PKD1 is on the minus strand); duplicating any 2 consecutive bases within chr16:2,099,685-2,099,687 gives the same sequence; the c. name uses the placement nearest the transcript's 3' end. VCF-style (leftmost placement, unchanged base first): chr16-2099684-T-TAG. GRCh37 (hg19) VCF-style: chr16-2149685-T-TAG.
Other names: c.10008_10009dupCT (NM_001009944.2); c.10008_10009dup, p.Tyr3337fs (NM_000296.4); short protein forms Y3337fs.
Identifiers: ClinVar variation 1805181 (VCV001805181.1), dbSNP rs2544710685, ClinGen allele CA2573050749.
Genomic context (GRCh38, chr16:2,099,684, plus strand): 5'-GGTCCCCAGCCCCAGCCCACCTTGCTCCGGGACATCCGGAAGAGAAAAAGGATGGCCAGG[T>TAG]AGACGGGATAGACAACCACGCTGGACACCAGGCCAACAGCGACTGTGTCGACGCTCAGCG-3'

ClinVar aggregate classification (germline): Pathogenic (1 of 4 stars; one submission).

Conditions:
Polycystic kidney disease, adult type (PKD1). Also called: Polycystic Kidney Disease 1, Autosomal Dominant; Polycystic kidney disease 1; Polycystic kidney disease 1, severe; Polycystic Kidney, Autosomal Dominant; POLYCYSTIC KIDNEY DISEASE 1 WITH OR WITHOUT POLYCYSTIC LIVER DISEASE; POLYCYSTIC KIDNEY DISEASE, ADULT, TYPE I. Identifiers: MedGen C3149841, MONDO:0008263, OMIM 173900.

Submission:

Victorian Clinical Genetics Services, Murdoch Childrens Research Institute
Classification: Pathogenic for Polycystic kidney disease, adult type. Last evaluated: 2022-02-02. Review status: criteria provided, single submitter. Criteria: ACMG Guidelines, 2015. Collection method: clinical testing. Allele origin: germline. Inheritance: Autosomal dominant inheritance.
Comment: Based on the classification scheme VCGS_Germline_v1.3.4, this variant is classified as Pathogenic. Following criteria are met: 0102 - Loss of function is a known mechanism of disease in this gene and is associated with polycystic kidney disease 1 (MIM#173900). (I) 0107 - This gene is associated with autosomal dominant disease. Polycystic kidney disease 1 (MIM#173900) is predominantly caused by monoallelic variants, with rare reports of biallelic variants causing disease (OMIM). (I) 0201 - Variant is predicted to cause nonsense-mediated decay (NMD) and loss of protein (premature termination codon is located at least 54 nucleotides upstream of the final exon-exon junction). (SP) 0251 - This variant is heterozygous. (I) 0301 - Variant is absent from gnomAD (both v2 and v3). (SP) 0701 - Other NMD predicted variants comparable to the one identified in this case have very strong previous evidence for pathogenicity (ClinVar). (SP) 0807 - This variant has no previous evidence of pathogenicity. (I) 0905 - No published segregation evidence has been identified for this variant. (I) 1007 - No published functional evidence has been identified for this variant. (I) 1208 - Inheritance information for this variant is not currently available in this individual. (I) Legend: (SP) - Supporting pathogenic, (I) - Information, (SB) - Supporting benign